The following is an entry in ClinVar:

NM_000548.5(TSC2):c.4608G>T (p.Gln1536His)

Gene: TSC2 (TSC complex subunit 2; plus strand). Cytogenetic location: 16p13.3.
Variant type: single nucleotide variant.
Coding change: c.4608G>T on transcript NM_000548.5 (MANE Select); coding-DNA position 4608, G replaced by T.
Protein change: p.Gln1536His; replaces glutamine 1536 with histidine.
Molecular consequence: missense variant.
Genome position (GRCh38, 1-based): chr16:2,085,268, G>T. VCF-style: chr16-2085268-G-T. GRCh37 (hg19) VCF-style: chr16-2135269-G-T.
Other names: c.4407G>T, p.Gln1469His (NM_001077183.3); c.4539G>T, p.Gln1513His (NM_001114382.3); c.4299G>T, p.Gln1433His (NM_001318827.2); c.4263G>T, p.Gln1421His (NM_001318829.2); c.3876G>T, p.Gln1292His (NM_001318831.2); c.4440G>T, p.Gln1480His (NM_001318832.2); c.4410G>T, p.Gln1470His (NM_001363528.2); c.4476G>T, p.Gln1492His (NM_001370404.1); and 2 more; short protein forms Q1292H, Q1470H, Q1480H, Q1433H, Q1421H, Q1493H, Q1469H, Q1492H.
Identifiers: ClinVar variation 1420522 (VCV001420522.7), dbSNP rs749875773, ClinGen allele CA394304686.

ClinVar aggregate classification (germline): Uncertain significance. Review status: criteria provided, multiple submitters, no conflicts (2 of 4 stars). 2 submissions from 2 submitters: Uncertain significance (2). Last evaluated 2025-07-29.

Conditions:
Tuberous sclerosis 2 (TSC2). Identifiers: Orphanet 805, MedGen C1860707, MONDO:0013199, OMIM 613254.
Hereditary cancer-predisposing syndrome. Also called: Hereditary neoplastic syndrome; Tumor predisposition; Hereditary Cancer Syndrome; Neoplastic Syndromes, Hereditary. Identifiers: Orphanet 140162, MedGen C0027672, MeSH D009386, MONDO:0015356.

Allele frequency attached by ClinVar (database versions not stated): gnomAD 0.00001.
gnomAD v4.1: 2 of 1,612,630 alleles (0.00012%); highest among the groups gnomAD compares: African/African-American, 0.0027%; no homozygotes.

Submissions (2):

Labcorp Genetics (formerly Invitae), Labcorp
Classification: Uncertain significance for Tuberous sclerosis 2. Last evaluated: 2025-07-29. Review status: criteria provided, single submitter. Criteria: Invitae Variant Classification Sherloc (09022015). Collection method: clinical testing. Allele origin: germline.
Comment: This sequence change replaces glutamine, which is neutral and polar, with histidine, which is basic and polar, at codon 1536 of the TSC2 protein (p.Gln1536His). This variant is present in population databases (no rsID available, gnomAD 0.01%). This variant has not been reported in the literature in individuals affected with TSC2-related conditions. ClinVar contains an entry for this variant (Variation ID: 1420522). Invitae Evidence Modeling of protein sequence and biophysical properties (such as structural, functional, and spatial information, amino acid conservation, physicochemical variation, residue mobility, and thermodynamic stability) indicates that this missense variant is not expected to disrupt TSC2 protein function with a negative predictive value of 95%. In summary, the available evidence is currently insufficient to determine the role of this variant in disease. Therefore, it has been classified as a Variant of Uncertain Significance.

Ambry Genetics
Classification: Uncertain significance for Hereditary cancer-predisposing syndrome. Last evaluated: 2023-11-24. Review status: criteria provided, single submitter. Criteria: Ambry Variant Classification Scheme 2023. Collection method: clinical testing. Allele origin: germline.
Comment: The p.Q1536H variant (also known as c.4608G>T), located in coding exon 35 of the TSC2 gene, results from a G to T substitution at nucleotide position 4608. The glutamine at codon 1536 is replaced by histidine, an amino acid with highly similar properties. This amino acid position is conserved. In addition, this alteration is predicted to be deleterious by in silico analysis. Since supporting evidence is limited at this time, the clinical significance of this alteration remains unclear.